The following is an entry in ClinVar:

ClinVar aggregate classification (germline): Uncertain significance (1 of 4 stars; one submission).

Allele frequency attached by ClinVar (database versions not stated): TOPMed below 0.00001; gnomAD 0.00001; gnomAD exomes 0.00001; ExAC 0.00002.
gnomAD v4.1: 4 of 1,600,894 alleles (0.00025%); highest among the groups gnomAD compares: Admixed American, 0.0068%; no homozygotes.

Submission:

Labcorp Genetics (formerly Invitae), Labcorp
Classification: Uncertain significance. Last evaluated: 2022-05-22. Review status: criteria provided, single submitter. Criteria: Invitae Variant Classification Sherloc (09022015). Collection method: clinical testing. Allele origin: germline.
Comment: This sequence change replaces proline, which is neutral and non-polar, with leucine, which is neutral and non-polar, at codon 1181 of the TBCD protein (p.Pro1181Leu). The frequency data for this variant in the population databases is considered unreliable, as metrics indicate poor data quality at this position in the gnomAD database. This variant has not been reported in the literature in individuals affected with TBCD-related conditions. Algorithms developed to predict the effect of missense changes on protein structure and function are either unavailable or do not agree on the potential impact of this missense change (SIFT: "Deleterious"; PolyPhen-2: "Probably Damaging"; Align-GVGD: "Class C0"). In summary, the available evidence is currently insufficient to determine the role of this variant in disease. Therefore, it has been classified as a Variant of Uncertain Significance.

NM_005993.5(TBCD):c.3542C>T (p.Pro1181Leu)

Gene: TBCD (tubulin folding cofactor D). Cytogenetic location: 17q25.3.
Variant type: single nucleotide variant.
Coding change: c.3542C>T on transcript NM_005993.5 (MANE Select); coding-DNA position 3542, C replaced by T.
Protein change: p.Pro1181Leu; replaces proline 1181 with leucine.
Molecular consequence: missense variant.
Genome position (GRCh38, 1-based): chr17:82,941,461, C>T. VCF-style: chr17-82941461-C-T. GRCh37 (hg19) VCF-style: chr17-80899337-C-T.
Other names: c.3491C>T, p.Pro1164Leu (NM_001411101.1); c.3461C>T, p.Pro1154Leu (NM_001411102.1); short protein forms P1154L, P1164L, P1181L.
Identifiers: ClinVar variation 2421291 (VCV002421291.2), dbSNP rs773665099, ClinGen allele CA8863685.